The following is an entry in ClinVar:

ClinVar aggregate classification (germline): Uncertain significance. Review status: criteria provided, multiple submitters, no conflicts (2 of 4 stars). 2 submissions from 2 submitters: Uncertain significance (2). Last evaluated 2025-05-01.

Conditions:
Drash syndrome (DDS). Also called: WILMS TUMOR AND PSEUDO- OR TRUE HERMAPHRODITISM; NEPHROPATHY, WILMS TUMOR, AND GENITAL ANOMALIES. Identifiers: Orphanet 220, MedGen C0950121, MONDO:0008682, OMIM 194080.
Frasier syndrome. Identifiers: Orphanet 347, MedGen C0950122, MeSH D052159, MONDO:0007635, OMIM 136680.
Wilms tumor 1 (WT1). Also called: Wilms tumor, somatic. Identifiers: Orphanet 654, MedGen CN033288, MONDO:0008679, OMIM 194070.
11p partial monosomy syndrome (WAGR). Also called: WAGR syndrome; WAGR Complex; CHROMOSOME 11p13 DELETION SYNDROME; WAGR Spectrum Disorder. Identifiers: Orphanet 893, MedGen C0206115, MONDO:0008681, OMIM 194072.
Inborn genetic diseases. Identifiers: MedGen C0950123, MeSH D030342.

Submissions (2):

Ambry Genetics
Classification: Uncertain significance for Inborn genetic diseases. Last evaluated: 2025-05-01. Review status: criteria provided, single submitter. Criteria: Ambry Variant Classification Scheme 2023. Collection method: clinical testing. Allele origin: germline.
Comment: The p.T346M variant (also known as c.1037C>T), located in coding exon 6 of the WT1 gene, results from a C to T substitution at nucleotide position 1037. The threonine at codon 346 is replaced by methionine, an amino acid with similar properties. This amino acid position is not well conserved in available vertebrate species. In addition, this alteration is predicted to be tolerated by in silico analysis. Based on the available evidence, the clinical significance of this variant remains unclear.

Labcorp Genetics (formerly Invitae), Labcorp
Classification: Uncertain significance for Wilms tumor 1; Drash syndrome; 11p partial monosomy syndrome; Frasier syndrome. Last evaluated: 2019-08-26. Review status: criteria provided, single submitter. Criteria: Invitae Variant Classification Sherloc (09022015). Collection method: clinical testing. Allele origin: germline.
Comment: In summary, the available evidence is currently insufficient to determine the role of this variant in disease. Therefore, it has been classified as a Variant of Uncertain Significance. Algorithms developed to predict the effect of missense changes on protein structure and function are either unavailable or do not agree on the potential impact of this missense change (SIFT: "Deleterious"; PolyPhen-2: "Possibly Damaging"; Align-GVGD: "Class C15"). This variant has not been reported in the literature in individuals with WT1-related conditions. This variant is not present in population databases (ExAC no frequency). This sequence change replaces threonine with methionine at codon 346 of the WT1 protein (p.Thr346Met). The threonine residue is moderately conserved and there is a moderate physicochemical difference between threonine and methionine.

NM_024426.6(WT1):c.1052C>T (p.Thr351Met)

Gene: WT1 (WT1 transcription factor; minus strand). Cytogenetic location: 11p13.
Variant type: single nucleotide variant.
Coding change: c.1052C>T on transcript NM_024426.6 (MANE Select); coding-DNA position 1052, C replaced by T.
Protein change: p.Thr351Met; replaces threonine 351 with methionine.
Molecular consequence: missense variant. On other transcripts: 5 prime UTR variant (1), non-coding transcript variant (1).
Genome position (GRCh38, 1-based): chr11:32,400,009, G>A on the plus strand (C>T on the coding strand, the complement: WT1 is on the minus strand). VCF-style: chr11-32400009-G-A. GRCh37 (hg19) VCF-style: chr11-32421555-G-A.
Other names: c.1001C>T, p.Thr334Met (NM_000378.6, NM_001407045.1, NM_001407048.1 and 1 more transcripts); c.401C>T, p.Thr134Met (NM_001198551.2); c.350C>T, p.Thr117Met (NM_001198552.2); c.-137C>T (NM_001367854.1); c.1046C>T, p.Thr349Met (NM_001407044.1); c.1052C>T, p.Thr351Met (NM_001407046.1, NM_024424.5); c.929C>T, p.Thr310Met (NM_001407047.1); c.878C>T, p.Thr293Met (NM_001407050.1); and 2 more; short protein forms T334M, T117M, T134M, T351M, T329M, T349M, T293M, T310M.
Identifiers: ClinVar variation 956713 (VCV000956713.12), dbSNP rs761627098, ClinGen allele CA379960435.
Genomic context (GRCh38, chr11:32,400,009, plus strand): 5'-TGAATGCCTCTGAAGACACCGTGCGTGTGTATTCTGTATTGGGCTCCGCAGAGGATGGGC[G>A]TTGTGTGGTTATCGCTCTCGTACCCTGTGCTGTGGCTGCAAACACAAAGAAGGGAAAAAG-3'
Protein context (NP_077744.4, residues 341-361): STGYESDNHT[Thr351Met]PILCGAQYRI